The following is an entry in ClinVar:

NM_002691.4(POLD1):c.2042dup (p.Arg682fs)

Gene: POLD1 (DNA polymerase delta 1, catalytic subunit; plus strand). Cytogenetic location: 19q13.33.
Variant type: Duplication.
Coding change: c.2042dup on transcript NM_002691.4 (MANE Select); coding-DNA position 2042, one base duplicated (T; older notation c.2042dupT).
Protein change: p.Arg682fs; shifts the reading frame from arginine 682.
Molecular consequence: frameshift variant. On other transcripts: non-coding transcript variant (1).
Genome position (GRCh38, 1-based): chr19:50,409,554, T duplicated. VCF-style (leftmost placement, unchanged base first): chr19-50409553-C-CT. GRCh37 (hg19) VCF-style: chr19-50912810-C-CT.
Other names: c.2042dup, p.Arg682fs (NM_001256849.1, NM_001438210.1, NM_001438211.1 and 2 more transcripts); c.2120dup, p.Arg708fs (NM_001308632.1); short protein forms R682fs, R708fs.
Identifiers: ClinVar variation 4668941 (VCV004668941.1).

ClinVar aggregate classification (germline): Uncertain significance (1 of 4 stars; one submission).

Conditions:
Hereditary cancer-predisposing syndrome. Also called: Neoplastic Syndromes, Hereditary; Tumor predisposition; Hereditary Cancer Syndrome; Hereditary neoplastic syndrome. Identifiers: Orphanet 140162, MedGen C0027672, MeSH D009386, MONDO:0015356.

Submission:

Ambry Genetics
Classification: Uncertain significance for Hereditary cancer-predisposing syndrome. Last evaluated: 2025-09-23. Review status: criteria provided, single submitter. Criteria: Ambry Variant Classification Scheme 2023. Collection method: clinical testing. Allele origin: germline.
Comment: The c.2042dupT variant, located in coding exon 16 of the POLD1 gene, results from a duplication of T at nucleotide position 2042, causing a translational frameshift with a predicted alternate stop codon (p.R682Pfs*57). This alteration is expected to result in protein truncation or nonsense-mediated mRNA decay. However, loss of function has not been established as a mechanism of disease. Based on the available evidence, the clinical significance of this alteration remains unclear.